The following is an entry in ClinVar:

ClinVar aggregate classification (germline): not provided (0 of 4 stars; one submission).

Allele frequency attached by ClinVar (database versions not stated): TOPMed 0.00019; gnomAD 0.00022 and 0.00027; ExAC 0.00067; 1000 Genomes Project 0.00120; 1000 Genomes Project 30x 0.00141.

Submission:

ITMI
No classification provided. Condition: AllHighlyPenetrant. Last evaluated: 2013-09-19. Review status: no classification provided. Collection method: reference population. Allele origin: germline.
Comment: Please see associated publication for description of ethnicities

Literature cited by the submitters: PubMed 24728327.

NM_017617.5(NOTCH1):c.5167+115G>A

Gene: NOTCH1 (notch receptor 1; minus strand). Cytogenetic location: 9q34.3.
Variant type: single nucleotide variant.
Coding change: c.5167+115G>A on transcript NM_017617.5 (MANE Select); 115 bases into the intron after coding-DNA position 5167, G replaced by A.
Molecular consequence: intron variant.
Genome position (GRCh38, 1-based): chr9:136,503,067, C>T on the plus strand (G>A on the coding strand, the complement: NOTCH1 is on the minus strand). VCF-style: chr9-136503067-C-T. GRCh37 (hg19) VCF-style: chr9-139397519-C-T.
Other names: c.5167+115G>A (LRG_1122t1).
Identifiers: ClinVar variation 133363 (VCV000133363.1), dbSNP rs186415498, ClinGen allele CA156453.
Genomic context (GRCh38, chr9:136,503,067, plus strand): 5'-CCGCAGGTGGGGGCGGAGTGCCATTCAGAAAATTCCAGAAAAGCCCTACCCCAACTCGGA[C>T]GGCAACGCTCACACCCGTGGGTAGCAACTGGCACAAACAGCCAGCGTGTCTGGGGCACGG-3'